The following is an entry in ClinVar:

NM_153676.4(USH1C):c.2547-1G>T

Gene: USH1C (USH1 protein network component harmonin; minus strand). Cytogenetic location: 11p15.1.
Variant type: single nucleotide variant.
Coding change: c.2547-1G>T on transcript NM_153676.4 (MANE Select); the canonical splice acceptor site of the intron before coding-DNA position 2547, G replaced by T.
Molecular consequence: splice acceptor variant. On other transcripts: intron variant (2).
Genome position (GRCh38, 1-based): chr11:17,495,678, C>A on the plus strand (G>T on the coding strand, the complement: USH1C is on the minus strand). VCF-style: chr11-17495678-C-A. GRCh37 (hg19) VCF-style: chr11-17517225-C-A.
Other names: c.1589+1080G>T (NM_001297764.2); c.1646+1080G>T (NM_005709.4).
Identifiers: ClinVar variation 550966 (VCV000550966.16), dbSNP rs571304936, ClinGen allele CA5904098.
Genomic context (GRCh38, chr11:17,495,678, plus strand): 5'-TCTTCAAGGAGCTTTCGGACCGGTTGGGGGCTTTCAGCTACGGAGGAGGGAAGAGAAGCT[C>A]TATATATACAGAGCAGAGCAAGAAACACAAAACAGGCTTGGTTACTCCCAGGCAGAGCTC-3'

ClinVar aggregate classification (germline): Conflicting classifications of pathogenicity. Review status: criteria provided, conflicting classifications (1 of 4 stars). 6 submissions from 6 submitters: Uncertain significance (2); Likely benign (1). 3 of the submissions do not count toward it. Last evaluated 2025-04-16.

Conditions:
Usher syndrome type 1C. Also called: USHER SYNDROME, TYPE I, ACADIAN VARIETY. Identifiers: Orphanet 231169, Orphanet 886, MedGen C1848604, MONDO:0010171, OMIM 276904.
Autosomal recessive nonsyndromic hearing loss 18A. Also called: DEAFNESS, AUTOSOMAL RECESSIVE 18; Deafness, autosomal recessive 18A. Identifiers: Orphanet 90636, MedGen C1865870, MONDO:0011192, OMIM 602092.

Allele frequency attached by ClinVar (database versions not stated): ExAC 0.00001; gnomAD 0.00001; TOPMed 0.00001; gnomAD exomes 0.00002; 1000 Genomes Project 30x 0.00016; 1000 Genomes Project 0.00020.
gnomAD v4.1: 16 of 1,614,074 alleles (0.00099%); highest among the groups gnomAD compares: East Asian, 0.02%; no homozygotes.

Submissions (6):

GeneDx
Classification: Uncertain significance. Last evaluated: 2025-04-16. Review status: criteria provided, single submitter. Criteria: GeneDx Variant Classification Process June 2021. Collection method: clinical testing. Allele origin: germline. Affected: yes.
Comment: Canonical splice site variant in a gene or region of a gene for which loss of function is not a well-established mechanism of disease; Reported using an alternate transcript of the gene; Reported in published literature as variant with discrepant classifications and finally classified as a likely benign (PMID: 34428318); This variant is associated with the following publications: (PMID: 34428318)

Blueprint Genetics
Classification: Uncertain significance. Last evaluated: 2024-09-25. Review status: criteria provided, single submitter. Criteria: ACMG Guidelines, 2015. Collection method: clinical testing. Allele origin: germline.

Labcorp Genetics (formerly Invitae), Labcorp
Classification: Likely benign. Last evaluated: 2021-12-07. Review status: criteria provided, single submitter. Criteria: Invitae Variant Classification Sherloc (09022015). Collection method: clinical testing. Allele origin: germline.

Counsyl
Classification: Likely benign for Usher syndrome type 1C; Autosomal recessive nonsyndromic hearing loss 18A. Last evaluated: 2017-03-02. Review status: no assertion criteria provided. Collection method: clinical testing. Allele origin: unknown. Not counted in ClinVar's aggregate classification.

Clinical Genetics DNA and cytogenetics Diagnostics Lab, Erasmus MC, Erasmus Medical Center
Classification: Likely pathogenic. Review status: no assertion criteria provided. Collection method: clinical testing. Allele origin: germline. Affected: yes. Study: VKGL Data-share Consensus. Not counted in ClinVar's aggregate classification.

Joint Genome Diagnostic Labs from Nijmegen and Maastricht, Radboudumc and MUMC+
Classification: Pathogenic. Review status: no assertion criteria provided. Collection method: clinical testing. Allele origin: germline. Affected: yes. Study: VKGL Data-share Consensus. Not counted in ClinVar's aggregate classification.